The following is an entry in ClinVar:

ClinVar aggregate classification (germline): Uncertain significance. Review status: criteria provided, single submitter (1 of 4 stars). 2 submissions from 2 submitters: Uncertain significance (1). 1 of the submissions does not count toward it. Last evaluated 2024-02-17.

Conditions:
Metaphyseal chondrodysplasia, McKusick type (CHH). Also called: Cartilage-hair hypoplasia; Cartilage-Hair Hypoplasia (CHH). Identifiers: Orphanet 175, MedGen C0220748, MONDO:0009595, OMIM 250250.
Anauxetic dysplasia. Identifiers: Orphanet 93347, MedGen C1846796, MONDO:0011773.

Submissions (2):

Labcorp Genetics (formerly Invitae), Labcorp
Classification: Uncertain significance for Anauxetic dysplasia. Last evaluated: 2024-02-17. Review status: criteria provided, single submitter. Criteria: Invitae Variant Classification Sherloc (09022015). Collection method: clinical testing. Allele origin: germline.
Comment: This variant occurs in the RMRP gene, which encodes an RNA molecule that does not result in a protein product. This variant is present in population databases (no rsID available, gnomAD 0.01%). This variant has not been reported in the literature in individuals affected with RMRP-related conditions. ClinVar contains an entry for this variant (Variation ID: 966946). Experimental studies and prediction algorithms are not available or were not evaluated, and the functional significance of this variant is currently unknown. In summary, the available evidence is currently insufficient to determine the role of this variant in disease. Therefore, it has been classified as a Variant of Uncertain Significance.

Natera, Inc.
Classification: Uncertain significance for Cartilage-hair hypoplasia. Last evaluated: 2020-04-14. Review status: no assertion criteria provided. Collection method: clinical testing. Allele origin: germline. Not counted in ClinVar's aggregate classification.

NR_003051.3(RMRP):n.-25_-21dup

Gene: RMRP (RNA component of mitochondrial RNA processing endoribonuclease; minus strand). Cytogenetic location: 9p13.3.
Variant type: Duplication.
Genome position: GRCh38 VCF-style: chr9-35658038-G-GTAGTA. GRCh37 (hg19) VCF-style: chr9-35658035-G-GTAGTA.
Identifiers: ClinVar variation 966946 (VCV000966946.7), dbSNP rs1563908297, ClinGen allele CA587570252.